The following is an entry in ClinVar:

NM_001267550.2(TTN):c.101992_101993del (p.Met33998fs)

Genes: TTN (titin; minus strand), TTN-AS1 (TTN antisense RNA 1; plus strand). Cytogenetic location: 2q31.2.
Variant type: Deletion.
Coding change: c.101992_101993del on transcript NM_001267550.2 (MANE Select); coding-DNA positions 101992 to 101993, 2 bases deleted (AT; older notation c.101992_101993delAT).
Protein change: p.Met33998fs; shifts the reading frame from methionine 33998.
Molecular consequence: frameshift variant.
Genome position (GRCh38, 1-based): chr2:178,534,622-178,534,623, AT deleted on the plus strand (AT on the coding strand, the reverse complement: TTN is on the minus strand). VCF-style (leftmost placement, unchanged base first): chr2-178534621-CAT-C. GRCh37 (hg19) VCF-style: chr2-179399348-CAT-C.
Other names: c.97069_97070del, p.Met32357fs (NM_001256850.1); c.74797_74798del, p.Met24933fs (NM_003319.4); c.94288_94289del, p.Met31430fs (NM_133378.4); c.75172_75173del, p.Met25058fs (NM_133432.3); c.75373_75374del, p.Met25125fs (NM_133437.4); c.74797_74798delAT (NM_003319.4); short protein forms M24933fs, M25058fs, M25125fs, M31430fs, M32357fs, M33998fs.
Identifiers: ClinVar variation 1759077 (VCV001759077.5), dbSNP rs1690631284, ClinGen allele CA1310519160.

ClinVar aggregate classification (germline): Likely pathogenic. Review status: criteria provided, multiple submitters, no conflicts (2 of 4 stars). 2 submissions from 2 submitters: Likely pathogenic (2). Last evaluated 2024-05-28.

Conditions:
Cardiovascular phenotype. Identifiers: MedGen CN230736.
Autosomal recessive limb-girdle muscular dystrophy type 2J (LGMDR10). Also called: Limb-girdle muscular dystrophy, type 2J; MUSCULAR DYSTROPHY, LIMB-GIRDLE, AUTOSOMAL RECESSIVE 10. Identifiers: Orphanet 140922, MedGen C1837342, MONDO:0012127, OMIM 608807.
Dilated cardiomyopathy 1G (CMD1G). Identifiers: Orphanet 154, MedGen C1858763, MONDO:0011400, OMIM 604145.

Submissions (2):

Labcorp Genetics (formerly Invitae), Labcorp
Classification: Likely pathogenic for Dilated cardiomyopathy 1G; Autosomal recessive limb-girdle muscular dystrophy type 2J. Last evaluated: 2024-05-28. Review status: criteria provided, single submitter. Criteria: Invitae Variant Classification Sherloc (09022015). Collection method: clinical testing. Allele origin: germline.
Comment: This sequence change creates a premature translational stop signal (p.Met33998Valfs*20) in the TTN gene. While this is not anticipated to result in nonsense mediated decay, it is expected to create a truncated TTN protein. This variant is not present in population databases (gnomAD no frequency). This variant has not been reported in the literature in individuals affected with TTN-related conditions. ClinVar contains an entry for this variant (Variation ID: 1759077). This variant is located in the M band of TTN (PMID: 25589632). Truncating variants in this region have been previously reported in individuals affected with autosomal recessive myopathy and muscular dystrophy (PMID: 18948003, 23975875, 24395473). Truncating variants in this region have also been identified in individuals affected with autosomal dominant dilated cardiomyopathy and/or cardio-related conditions (PMID: 27869827, 32964742, Invitae internal data). In summary, the currently available evidence indicates that the variant is pathogenic, but additional data are needed to prove that conclusively. Therefore, this variant has been classified as Likely Pathogenic.

Ambry Genetics
Classification: Likely pathogenic for Cardiovascular phenotype. Last evaluated: 2022-05-23. Review status: criteria provided, single submitter. Criteria: Ambry Variant Classification Scheme 2023. Collection method: clinical testing. Allele origin: germline.
Comment: The c.74797_74798delAT variant, located in coding exon 185 of the TTN gene, results from a deletion of two nucleotides at nucleotide positions 74797 to 74798, causing a translational frameshift with a predicted alternate stop codon (p.M24933Vfs*20). This exon is located in the M-band region of the N2-B isoform of the titin protein and is constitutively expressed in TTN transcripts (percent spliced in or PSI 100%). This alteration is expected to result in loss of function by premature protein truncation or nonsense-mediated mRNA decay. While truncating variants in TTN are present in 1-3% of the general population, truncating variants in the M-band have been reported in association with autosomal recessive titinopathies, primarily presenting with skeletal myopathy phenotypes (Ceyhan-Birsoy O et al. Neurology. 2013 Oct 1;81(14):1205-14; De Cid R et al. Neurology. 2015;85(24):2126-35). In addition, regardless of their position, TTN truncating variants encoded in constitutive exons (PSI >90%) have been found to be significantly associated with dilated cardiomyopathy (DCM), though truncating variants in the A-band are the most common cause of DCM (Herman DS et al. N. Engl. J. Med., 2012 Feb;366:619-28; Roberts AM et al. Sci Transl Med, 2015 Jan;7:270ra6; Schafer S et al. Nat. Genet., 2017 01;49:46-53). Based on the majority of available evidence to date, this variant is likely to be pathogenic in association with autosomal recessive titinopathy; however, the clinical significance of this alteration with respect to cardiomyopathy remains unclear.

Literature cited by the submitters: PubMed 25589632 (cited by Labcorp Genetics (formerly Invitae), Labcorp); PubMed 18948003 (cited by Labcorp Genetics (formerly Invitae), Labcorp); PubMed 23975875 (cited by Labcorp Genetics (formerly Invitae), Labcorp); PubMed 24395473 (cited by Labcorp Genetics (formerly Invitae), Labcorp); PubMed 27869827 (cited by Labcorp Genetics (formerly Invitae), Labcorp); PubMed 32964742 (cited by Labcorp Genetics (formerly Invitae), Labcorp).